The following is an entry in ClinVar:

NM_152703.5(SAMD9L):c.3685G>C (p.Val1229Leu)

Gene: SAMD9L (sterile alpha motif domain containing 9 like; minus strand). Cytogenetic location: 7q21.2.
Variant type: single nucleotide variant.
Coding change: c.3685G>C on transcript NM_152703.5 (MANE Select); coding-DNA position 3685, G replaced by C.
Protein change: p.Val1229Leu; replaces valine 1229 with leucine.
Molecular consequence: missense variant.
Genome position (GRCh38, 1-based): chr7:93,132,287, C>G on the plus strand (G>C on the coding strand, the complement: SAMD9L is on the minus strand). VCF-style: chr7-93132287-C-G. GRCh37 (hg19) VCF-style: chr7-92761600-C-G.
Other names: c.3685G>C (NM_152703.2, NM_152703.3); c.3685G>C, p.Val1229Leu (NM_001303496.3, NM_001303497.3, NM_001303498.3 and 5 more transcripts); short protein forms V1229L.
Identifiers: ClinVar variation 1057334 (VCV001057334.17), dbSNP rs372780313, ClinGen allele CA4343421.

ClinVar aggregate classification (germline): Uncertain significance. Review status: criteria provided, multiple submitters, no conflicts (2 of 4 stars). 4 submissions from 4 submitters: Uncertain significance (4). Last evaluated 2025-11-19.

Conditions:
Inborn genetic diseases. Identifiers: MedGen C0950123, MeSH D030342.

Allele frequency attached by ClinVar (database versions not stated): ExAC 0.00002; ESP Exome Variant Server 0.00008; 1000 Genomes Project 30x 0.00016; 1000 Genomes Project 0.00020.

Submissions (4):

Ambry Genetics
Classification: Uncertain significance for Inborn genetic diseases. Last evaluated: 2025-11-19. Review status: criteria provided, single submitter. Criteria: Ambry Variant Classification Scheme 2023. Collection method: clinical testing. Allele origin: germline.

GeneDx
Classification: Uncertain significance. Last evaluated: 2022-10-17. Review status: criteria provided, single submitter. Criteria: GeneDx Variant Classification Process June 2021. Collection method: clinical testing. Allele origin: germline. Affected: yes.
Comment: Not observed at significant frequency in large population cohorts (gnomAD); In silico analysis supports that this missense variant does not alter protein structure/function; Has not been previously published as pathogenic or benign to our knowledge

Labcorp Genetics (formerly Invitae), Labcorp
Classification: Uncertain significance. Last evaluated: 2022-08-16. Review status: criteria provided, single submitter. Criteria: Invitae Variant Classification Sherloc (09022015). Collection method: clinical testing. Allele origin: germline.
Comment: In summary, the available evidence is currently insufficient to determine the role of this variant in disease. Therefore, it has been classified as a Variant of Uncertain Significance. Algorithms developed to predict the effect of missense changes on protein structure and function are either unavailable or do not agree on the potential impact of this missense change (SIFT: "Not Available"; PolyPhen-2: "Benign"; Align-GVGD: "Not Available"). ClinVar contains an entry for this variant (Variation ID: 1057334). This variant has not been reported in the literature in individuals affected with SAMD9L-related conditions. This variant is present in population databases (rs372780313, gnomAD 0.004%). This sequence change replaces valine, which is neutral and non-polar, with leucine, which is neutral and non-polar, at codon 1229 of the SAMD9L protein (p.Val1229Leu).

Genetic Services Laboratory, University of Chicago
Classification: Uncertain significance. Last evaluated: 2019-09-20. Review status: criteria provided, single submitter. Criteria: ACMG Guidelines, 2015. Collection method: clinical testing. Allele origin: germline. Affected: no.